The following is an entry in ClinVar:

NM_000493.4(COL10A1):c.273A>G (p.Gln91=)

Genes: COL10A1 (collagen type X alpha 1 chain; minus strand), NT5DC1 (5'-nucleotidase domain containing 1; plus strand). Cytogenetic location: 6q22.1.
Variant type: single nucleotide variant.
Coding change: c.273A>G on transcript NM_000493.4 (MANE Select); coding-DNA position 273, A replaced by G.
Protein change: p.Gln91=; no amino-acid change (glutamine 91 retained).
Molecular consequence: synonymous variant. On other transcripts: intron variant (1).
Genome position (GRCh38, 1-based): chr6:116,121,843, T>C on the plus strand (A>G on the coding strand, the complement: COL10A1 is on the minus strand). VCF-style: chr6-116121843-T-C. GRCh37 (hg19) VCF-style: chr6-116443006-T-C.
Other names: c.273A>G, p.Gln91= (NM_001424106.1, NM_001424107.1); c.529+3898T>C (NM_152729.3).
Identifiers: ClinVar variation 355108 (VCV000355108.13), dbSNP rs547224731, ClinGen allele CA3968439.
Genomic context (GRCh38, chr6:116,121,843, plus strand): 5'-TGGCACACCTGGTTTCCCTACAGCTGATGGTCCCGGTGGTCCTGGCAACCCTGGCTCTCC[T>C]TGGAGTCCAGGACTTCCGTAGCCTGGTTTTCCTGGTGGTCCAGAAGGACCTGGGTGCCCT-3'
Protein context (NP_000484.2, residues 81-101): GKPGYGSPGL[Gln91=]GEPGLPGPPG

ClinVar aggregate classification (germline): Benign/Likely benign. Review status: criteria provided, multiple submitters, no conflicts (2 of 4 stars). 3 submissions from 3 submitters: Benign (2); Likely benign (1). Last evaluated 2025-10-02.

Conditions:
Metaphyseal chondrodysplasia, Schmid type (MCDS). Also called: SPONDYLOMETAPHYSEAL DYSPLASIA, JAPANESE TYPE. Identifiers: Orphanet 174, MedGen C0265289, MONDO:0007983, OMIM 156500.

Allele frequency attached by ClinVar (database versions not stated): TOPMed 0.00001; gnomAD 0.00004 and 0.00006; gnomAD exomes 0.00010 and 0.00020; 1000 Genomes Project 30x 0.00016; 1000 Genomes Project 0.00020; ExAC 0.00024.
gnomAD v4.1: 151 of 1,613,990 alleles (0.0094%); highest among the groups gnomAD compares: South Asian, 0.12%; no homozygotes.

Submissions (3):

Labcorp Genetics (formerly Invitae), Labcorp
Classification: Benign. Last evaluated: 2025-10-02. Review status: criteria provided, single submitter. Criteria: Invitae Variant Classification Sherloc (09022015). Collection method: clinical testing. Allele origin: germline.

Blueprint Genetics
Classification: Likely benign. Last evaluated: 2024-05-13. Review status: criteria provided, single submitter. Criteria: ACMG Guidelines, 2015. Collection method: clinical testing. Allele origin: germline.

Illumina Laboratory Services, Illumina
Classification: Benign for Metaphyseal chondrodysplasia, Schmid type. Last evaluated: 2018-01-13. Review status: criteria provided, single submitter. Criteria: ICSL Variant Classification Criteria 13 December 2019. Collection method: clinical testing. Allele origin: germline.
Comment: This variant was observed in the ICSL laboratory as part of a predisposition screen in an ostensibly healthy population. It had not been previously curated by ICSL or reported in the Human Gene Mutation Database (HGMD: prior to June 1st, 2018), and was therefore a candidate for classification through an automated scoring system. Utilizing variant allele frequency, disease prevalence and penetrance estimates, and inheritance mode, an automated score was calculated to assess if this variant is too frequent to cause the disease. Based on the score and internal cut-off values, a variant classified as benign is not then subjected to further curation. The score for this variant resulted in a classification of benign for this disease.